The following is an entry in ClinVar:

ClinVar aggregate classification (germline): Uncertain significance. Review status: criteria provided, multiple submitters, no conflicts (2 of 4 stars). 2 submissions from 2 submitters: Uncertain significance (2). Last evaluated 2023-12-04.

Conditions:
Arrhythmogenic right ventricular cardiomyopathy (ARVD). Also called: Arrhythmogenic cardiomyopathy; Cardiomyopathy, ARVC; Arrhythmogenic right ventricular dysplasia; Arrhythmogenic Right Ventricular Cardiomyopathy (ARVC). Identifiers: Orphanet 247, MedGen C0349788, MeSH D019571, MONDO:0016587. Disease mechanism: loss of function. Inheritance: Various modes of inheritance.
Cardiomyopathy (CMYO). Also called: Cardiomyopathies. Identifiers: Orphanet 167848, MedGen C0878544, MONDO:0004994, HP:0001638. Inheritance: Various modes of inheritance.

Allele frequency attached by ClinVar (database versions not stated): gnomAD exomes below 0.00001; TOPMed 0.00002.
gnomAD v4.1: 4 of 1,614,222 alleles (0.00025%); highest among the groups gnomAD compares: Admixed American, 0.0033%; no homozygotes.

Submissions (2):

Color Diagnostics, LLC DBA Color Health
Classification: Uncertain significance for Cardiomyopathy. Last evaluated: 2023-12-04. Review status: criteria provided, single submitter. Criteria: ACMG Guidelines, 2015. Collection method: clinical testing. Allele origin: germline.
Comment: This missense variant replaces isoleucine with valine at codon 1100 of the DSG2 protein. Computational prediction suggests that this variant may not impact protein structure and function (internally defined REVEL score threshold <= 0.5, PMID: 27666373). To our knowledge, functional studies have not been reported for this variant. This variant has not been reported in individuals affected with DSG2-related disorders in the literature. This variant has not been identified in the general population by the Genome Aggregation Database (gnomAD). The available evidence is insufficient to determine the role of this variant in disease conclusively. Therefore, this variant is classified as a Variant of Uncertain Significance.

All of Us Research Program, National Institutes of Health
Classification: Uncertain significance for Arrhythmogenic right ventricular cardiomyopathy. Last evaluated: 2023-08-08. Review status: criteria provided, single submitter. Criteria: ACMG Guidelines, 2015. Collection method: clinical testing. Allele origin: germline. Inheritance: Autosomal dominant inheritance. Observed: 1 variant allele, 1 heterozygote.
Comment: This study involves interpretation of variants in research participants for the purpose of population health screening. Participant phenotype was not available at the time of variant classification. Additional details can be found in publication PMID: 35346344, PMCID: PMC8962531

NM_001943.5(DSG2):c.3298A>G (p.Ile1100Val)

Genes: DSG2 (desmoglein 2; plus strand), DSG2-AS1 (DSG2 antisense RNA 1; minus strand). Cytogenetic location: 18q12.1.
Variant type: single nucleotide variant.
Coding change: c.3298A>G on transcript NM_001943.5 (MANE Select); coding-DNA position 3298, A replaced by G.
Protein change: p.Ile1100Val; replaces isoleucine 1100 with valine.
Molecular consequence: missense variant.
Genome position (GRCh38, 1-based): chr18:31,546,684, A>G. VCF-style: chr18-31546684-A-G. GRCh37 (hg19) VCF-style: chr18-29126647-A-G.
Other names: short protein forms I1100V.
Identifiers: ClinVar variation 920995 (VCV000920995.5), dbSNP rs1253268725, ClinGen allele CA402149321.